The following is an entry in ClinVar:

NM_138927.4(SON):c.5590C>T (p.Arg1864Trp)

Gene: SON (SON DNA and RNA binding protein; plus strand). Cytogenetic location: 21q22.11.
Variant type: single nucleotide variant.
Coding change: c.5590C>T on transcript NM_138927.4 (MANE Select); coding-DNA position 5590, C replaced by T.
Protein change: p.Arg1864Trp; replaces arginine 1864 with tryptophan.
Molecular consequence: missense variant. On other transcripts: non-coding transcript variant (1), intron variant (1).
Genome position (GRCh38, 1-based): chr21:33,554,821, C>T. VCF-style: chr21-33554821-C-T. GRCh37 (hg19) VCF-style: chr21-34927127-C-T.
Other names: c.5590C>T, p.Arg1864Trp (NM_001291411.2, NM_001412133.1, NM_032195.3 and 2 more transcripts); c.245-2335C>T (NM_001291412.3); short protein forms R1864W.
Identifiers: ClinVar variation 2889470 (VCV002889470.3), dbSNP rs558416245, ClinGen allele CA10009766.

ClinVar aggregate classification (germline): Uncertain significance (1 of 4 stars; one submission).

Allele frequency attached by ClinVar (database versions not stated): gnomAD exomes below 0.00001; ExAC 0.00001; gnomAD 0.00001; TOPMed 0.00001; 1000 Genomes Project 30x 0.00016; 1000 Genomes Project 0.00020.

Submission:

Labcorp Genetics (formerly Invitae), Labcorp
Classification: Uncertain significance. Last evaluated: 2023-03-23. Review status: criteria provided, single submitter. Criteria: Invitae Variant Classification Sherloc (09022015). Collection method: clinical testing. Allele origin: germline.
Comment: In summary, the available evidence is currently insufficient to determine the role of this variant in disease. Therefore, it has been classified as a Variant of Uncertain Significance. This sequence change replaces arginine, which is basic and polar, with tryptophan, which is neutral and slightly polar, at codon 1864 of the SON protein (p.Arg1864Trp). This variant is present in population databases (rs558416245, gnomAD 0.006%). This variant has not been reported in the literature in individuals affected with SON-related conditions. Experimental studies and prediction algorithms are not available or were not evaluated, and the functional significance of this variant is currently unknown.